The following is an entry in ClinVar:

NM_005732.4(RAD50):c.1213G>T (p.Glu405Ter)

Gene: RAD50 (RAD50 double strand break repair protein; plus strand). Cytogenetic location: 5q31.1.
Variant type: single nucleotide variant.
Coding change: c.1213G>T on transcript NM_005732.4 (MANE Select); coding-DNA position 1213, G replaced by T.
Protein change: p.Glu405Ter; replaces glutamic acid 405 with a stop codon.
Molecular consequence: nonsense.
Genome position (GRCh38, 1-based): chr5:132,588,848, G>T. VCF-style: chr5-132588848-G-T. GRCh37 (hg19) VCF-style: chr5-131924540-G-T.
Other names: short protein forms E405*.
Identifiers: ClinVar variation 482087 (VCV000482087.5), dbSNP rs1554098262, ClinGen allele CA360942973.

ClinVar aggregate classification (germline): Pathogenic (1 of 4 stars; one submission).

Conditions:
Hereditary cancer-predisposing syndrome. Also called: Neoplastic Syndromes, Hereditary; Tumor predisposition; Hereditary Cancer Syndrome; Hereditary neoplastic syndrome. Identifiers: Orphanet 140162, MedGen C0027672, MeSH D009386, MONDO:0015356.

Submission:

Ambry Genetics
Classification: Pathogenic for Hereditary cancer-predisposing syndrome. Last evaluated: 2015-11-13. Review status: criteria provided, single submitter. Criteria: Ambry Variant Classification Scheme 2023. Collection method: clinical testing. Allele origin: germline.
Comment: The p.E405* pathogenic mutation (also known as c.1213G>T), located in coding exon 8 of the RAD50 gene, results from a G to T substitution at nucleotide position 1213. This changes the amino acid from a glutamic acid to a stop codon within coding exon 8. Since premature stop codons are typically deleterious in nature, this alteration is interpreted as a disease-causing mutation (ACMG Recommendations for Standards for Interpretation and Reporting of Sequence Variations. Revision 2007. Genet Med. 2008;10:294).